The following is an entry in ClinVar:

NM_000384.3(APOB):c.11593C>T (p.Pro3865Ser)

Gene: APOB (apolipoprotein B; minus strand). Cytogenetic location: 2p24.1.
Variant type: single nucleotide variant.
Coding change: c.11593C>T on transcript NM_000384.3 (MANE Select); coding-DNA position 11593, C replaced by T.
Protein change: p.Pro3865Ser; replaces proline 3865 with serine.
Molecular consequence: missense variant.
Genome position (GRCh38, 1-based): chr2:21,005,275, G>A on the plus strand (C>T on the coding strand, the complement: APOB is on the minus strand). VCF-style: chr2-21005275-G-A. GRCh37 (hg19) VCF-style: chr2-21228147-G-A.
Other names: short protein forms P3865S.
Identifiers: ClinVar variation 918456 (VCV000918456.6), dbSNP rs746011115, ClinGen allele CA046946.

ClinVar aggregate classification (germline): Uncertain significance. Review status: criteria provided, multiple submitters, no conflicts (2 of 4 stars). 2 submissions from 2 submitters: Uncertain significance (2). Last evaluated 2024-11-25.

Conditions:
Cardiovascular phenotype. Identifiers: MedGen CN230736.

Allele frequency attached by ClinVar (database versions not stated): gnomAD exomes below 0.00001; TOPMed 0.00001; ExAC 0.00001; gnomAD 0.00001.
gnomAD v4.1: 8 of 1,613,958 alleles (0.0005%); highest among the groups gnomAD compares: Non-Finnish European, 0.00068%; no homozygotes.

Submissions (2):

GeneDx
Classification: Uncertain significance. Last evaluated: 2024-11-25. Review status: criteria provided, single submitter. Criteria: GeneDx Variant Classification Process June 2021. Collection method: clinical testing. Allele origin: germline. Affected: yes.
Comment: Not observed at significant frequency in large population cohorts (gnomAD); In silico analysis supports that this missense variant has a deleterious effect on protein structure/function; Has not been previously published as pathogenic or benign to our knowledge

Ambry Genetics
Classification: Uncertain significance for Cardiovascular phenotype. Last evaluated: 2021-10-06. Review status: criteria provided, single submitter. Criteria: Ambry Variant Classification Scheme 2023. Collection method: clinical testing. Allele origin: germline.
Comment: The p.P3865S variant (also known as c.11593C>T), located in coding exon 26 of the APOB gene, results from a C to T substitution at nucleotide position 11593. The proline at codon 3865 is replaced by serine, an amino acid with similar properties. This amino acid position is conserved. In addition, the in silico prediction for this alteration is inconclusive. Since supporting evidence is limited at this time, the clinical significance of this alteration remains unclear.